The following is an entry in ClinVar:

NM_001080414.4(CCDC88C):c.5777T>G (p.Leu1926Arg)

Gene: CCDC88C (coiled-coil and HOOK domain protein 88C; minus strand). Cytogenetic location: 14q32.11.
Variant type: single nucleotide variant.
Coding change: c.5777T>G on transcript NM_001080414.4 (MANE Select); coding-DNA position 5777, T replaced by G.
Protein change: p.Leu1926Arg; replaces leucine 1926 with arginine.
Molecular consequence: missense variant.
Genome position (GRCh38, 1-based): chr14:91,272,935, A>C on the plus strand (T>G on the coding strand, the complement: CCDC88C is on the minus strand). VCF-style: chr14-91272935-A-C. GRCh37 (hg19) VCF-style: chr14-91739279-A-C.
Other names: short protein forms L1926R.
Identifiers: ClinVar variation 2108230 (VCV002108230.4), dbSNP rs2544238057, ClinGen allele CA390608955.

ClinVar aggregate classification (germline): Uncertain significance (1 of 4 stars; one submission).

Submission:

Labcorp Genetics (formerly Invitae), Labcorp
Classification: Uncertain significance. Last evaluated: 2022-04-08. Review status: criteria provided, single submitter. Criteria: Invitae Variant Classification Sherloc (09022015). Collection method: clinical testing. Allele origin: germline.
Comment: Algorithms developed to predict the effect of missense changes on protein structure and function are either unavailable or do not agree on the potential impact of this missense change (SIFT: "Deleterious"; PolyPhen-2: "Benign"; Align-GVGD: "Class C0"). In summary, the available evidence is currently insufficient to determine the role of this variant in disease. Therefore, it has been classified as a Variant of Uncertain Significance. This variant has not been reported in the literature in individuals affected with CCDC88C-related conditions. This sequence change replaces leucine, which is neutral and non-polar, with arginine, which is basic and polar, at codon 1926 of the CCDC88C protein (p.Leu1926Arg). This variant is not present in population databases (gnomAD no frequency).